The following is an entry in ClinVar:

NM_021076.4(NEFH):c.1051_1052insTCCTCTGAGCTGGAGG (p.Asp351delinsValLeuTer)

Gene: NEFH (neurofilament heavy chain; plus strand). Cytogenetic location: 22q12.2.
Variant type: Microsatellite.
Coding change: c.1051_1052insTCCTCTGAGCTGGAGG on transcript NM_021076.4 (MANE Select); coding-DNA positions 1051 to 1052, TCCTCTGAGCTGGAGG inserted.
Protein change: p.Asp351delinsValLeuTer.
Molecular consequence: nonsense.
Genome position: GRCh38 VCF-style: chr22-29483528-G-GCTCTGAGCTGGAGGTC. GRCh37 (hg19) VCF-style: chr22-29879517-G-GCTCTGAGCTGGAGGTC.
Identifiers: ClinVar variation 1695745 (VCV001695745.2), dbSNP rs2146394422.
Genomic context (GRCh38, chr22:29,483,528, plus strand): 5'-AGGCCAGGACCACAGAGCTGGAGGCACTGAAAAGCACCAAGGACTCACTGGAGAGGCAGC[G>GCTCTGAGCTGGAGGTC]CTCTGAGCTGGAGGACCGTCATCAGGCCGACATTGCCTCCTACCAGGTGGGCAGGGGCAA-3'

ClinVar aggregate classification (germline): Uncertain significance (1 of 4 stars; one submission).

Submission:

GeneDx
Classification: Uncertain significance. Last evaluated: 2022-01-05. Review status: criteria provided, single submitter. Criteria: GeneDx Variant Classification Process June 2021. Collection method: clinical testing. Allele origin: germline. Affected: yes.
Comment: Not observed at significant frequency in large population cohorts (gnomAD); Frameshift variant predicted to result in protein truncation or nonsense mediated decay in a gene for which loss-of-function is not a known mechanism of disease; Has not been previously published as pathogenic or benign to our knowledge